The following is an entry in ClinVar:

GRCh38/hg38 2p22.3(chr2:32452615-33032312)x3

Genes: BIRC6 (baculoviral IAP repeat containing 6; plus strand), BIRC6-AS2 (BIRC6 antisense RNA 2; minus strand), LINC00486 (long intergenic non-protein coding RNA 486; plus strand), LTBP1 (latent transforming growth factor beta binding protein 1; plus strand), MIR4765 (microRNA 4765; plus strand) and 12 more. Cytogenetic location: 2p22.3.
Variant type: copy number gain.
Change: copy number 3 (three copies instead of two) of chr2:32,452,615-33,032,312 (579.7 kb, GRCh38 coordinates, 1-based), cytogenetic band 2p22.3.
Identifiers: ClinVar variation 144608 (VCV000144608.2).

ClinVar aggregate classification (germline): conflicting data from submitters (0 of 4 stars; one submission).

Submission:

ISCA site 4
Classification: conflicting data from submitters. Last evaluated: 2012-09-21. Review status: no assertion criteria provided. Collection method: clinical testing. Allele origin: unknown. Affected: yes. Observed: 3 variant alleles. Clinical features observed: Seizures (HP:0001275), Intellectual disability (HP:0001249), Developmental delay AND/OR other significant developmental or morphological phenotypes.
Comment: Uncertain significance(1), Likely benign (1), Benign (1)

Copy number variation identified through the course of routine clinical cytogenomic testing in postnatal populations, with clinical assertions as classified by the original submitter. For data from the original published study, Kaminsky, et al. 2011 (PubMed 21844811), please see nstd101.